The following is an entry in ClinVar:

ClinVar aggregate classification (germline): Likely pathogenic. Review status: criteria provided, multiple submitters, no conflicts (2 of 4 stars). 2 submissions from 2 submitters: Likely pathogenic (2). Last evaluated 2025-07-28.

Conditions:
Epidermolysis bullosa dystrophica. Also called: Dystrophic epidermolysis bullosa; Dystrophic epidermolysis bullosa, Hallopeau-Siemens type (formerly). Identifiers: Orphanet 303, MedGen C0079294, MONDO:0006543.
Generalized dominant dystrophic epidermolysis bullosa (DDEB). Also called: DYSTROPHIC EPIDERMOLYSIS BULLOSA, AUTOSOMAL DOMINANT; Epidermolysis bullosa dystrophica, autosomal dominant; DDEB, generalized; DDEB-gen; Dominant DEB (DDEB). Identifiers: Orphanet 231568, MedGen C0432322, MONDO:0007549, OMIM 131750.

Submissions (2):

Natera, Inc.
Classification: Likely pathogenic for Dystrophic epidermolysis bullosa. Last evaluated: 2025-07-28. Review status: criteria provided, single submitter. Criteria: Natera Variant Classification Schema (03/2026). Collection method: clinical testing. Allele origin: germline.
Comment: The c.5765G>A variant in COL7A1 is a missense variant predicted to cause substitution of glycine to glutamic acid at amino acid 1922. This variant is rare in the general population with a frequency below the threshold expected for the associated phenotype(s). This variant has been observed in affected individual(s) with monoallelic occurrence (heterozygous/hemizygous) (PMID: 35979658). This variant has been observed to segregate in affected family members (PMID: 35979658). Computational prediction algorithms indicate this variant is likely to affect gene or protein function. Given the available evidence, this variant is classified as Likely Pathogenic.

Center for Research in Genodermatoses and Epidermolysis Bullosa, University of Buenos Aires
Classification: Likely pathogenic for Generalized dominant dystrophic epidermolysis bullosa. Last evaluated: 2022-03-14. Review status: criteria provided, single submitter. Criteria: ACMG Guidelines, 2015. Collection method: clinical testing. Allele origin: germline. Affected: yes. Observed: 7 variant alleles, 7 heterozygotes.

Literature cited by the submitters: PubMed 35979658 (cited by Natera, Inc. and Center for Research in Genodermatoses and Epidermolysis Bullosa, University of Buenos Aires).

NM_000094.4(COL7A1):c.5765G>A (p.Gly1922Glu)

Gene: COL7A1 (collagen type VII alpha 1 chain; minus strand). Cytogenetic location: 3p21.31.
Variant type: single nucleotide variant.
Coding change: c.5765G>A on transcript NM_000094.4 (MANE Select); coding-DNA position 5765, G replaced by A.
Protein change: p.Gly1922Glu; replaces glycine 1922 with glutamic acid.
Molecular consequence: missense variant.
Genome position (GRCh38, 1-based): chr3:48,576,407, C>T on the plus strand (G>A on the coding strand, the complement: COL7A1 is on the minus strand). VCF-style: chr3-48576407-C-T. GRCh37 (hg19) VCF-style: chr3-48613840-C-T.
Other names: short protein forms G1922E.
Identifiers: ClinVar variation 1676643 (VCV001676643.2), dbSNP rs2107680342, ClinGen allele CA352666452.